The following is an entry in ClinVar:

ClinVar aggregate classification (germline): Benign. Review status: criteria provided, multiple submitters, no conflicts (2 of 4 stars). 2 submissions from 2 submitters: Benign (2). Last evaluated 2026-02-02.

Allele frequency attached by ClinVar (database versions not stated): gnomAD exomes 0.00048 and 0.00107; ExAC 0.00125; 1000 Genomes Project 0.00280; 1000 Genomes Project 30x 0.00312; TOPMed 0.00558; ESP Exome Variant Server 0.00406; gnomAD 0.00457 and 0.00495.
gnomAD v4.1: 1,404 of 1,613,758 alleles (0.087%); highest among the groups gnomAD compares: African/African-American, 1.7%; 13 homozygotes.

Submissions (2):

Labcorp Genetics (formerly Invitae), Labcorp
Classification: Benign. Last evaluated: 2026-02-02. Review status: criteria provided, single submitter. Criteria: Invitae Variant Classification Sherloc (09022015). Collection method: clinical testing. Allele origin: germline.

Mayo Clinic Laboratories, Mayo Clinic
Classification: Benign. Last evaluated: 2025-03-27. Review status: criteria provided, single submitter. Criteria: ACMG Guidelines, 2015. Collection method: clinical testing. Allele origin: germline. Observed: 1 variant allele.
Comment: BA1, BS2

NM_016653.3(MAP3K20):c.2293G>A (p.Glu765Lys)

Genes: MAP3K20 (mitogen-activated protein kinase kinase kinase 20; plus strand), MAP3K20-AS1 (MAP3K20 antisense RNA 1; minus strand). Cytogenetic location: 2q31.1.
Variant type: single nucleotide variant.
Coding change: c.2293G>A on transcript NM_016653.3 (MANE Select); coding-DNA position 2293, G replaced by A.
Protein change: p.Glu765Lys; replaces glutamic acid 765 with lysine.
Molecular consequence: missense variant.
Genome position (GRCh38, 1-based): chr2:173,266,640, G>A. VCF-style: chr2-173266640-G-A. GRCh37 (hg19) VCF-style: chr2-174131368-G-A.
Other names: p.Glu765Lys; short protein forms E765K.
Identifiers: ClinVar variation 1621663 (VCV001621663.9), dbSNP rs200470997, ClinGen allele CA1971067.